The following is an entry in ClinVar:

ClinVar aggregate classification (germline): Uncertain significance (1 of 4 stars; one submission).

Conditions:
Combined immunodeficiency due to DOCK8 deficiency (HIES2). Also called: HIES autosomal recessive; Hyper-IgE recurrent infection syndrome, autosomal recessive; DOCK8 Deficiency; HYPER-IgE SYNDROME 2, AUTOSOMAL RECESSIVE, WITH RECURRENT INFECTIONS; HYPER-IgE RECURRENT INFECTION SYNDROME 2, AUTOSOMAL RECESSIVE. Identifiers: Orphanet 217390, MedGen C4722305, MONDO:0009478, OMIM 243700.

Submission:

Labcorp Genetics (formerly Invitae), Labcorp
Classification: Uncertain significance for Combined immunodeficiency due to DOCK8 deficiency. Last evaluated: 2025-11-17. Review status: criteria provided, single submitter. Criteria: Invitae Variant Classification Sherloc (09022015). Collection method: clinical testing. Allele origin: germline.
Comment: This sequence change replaces alanine, which is neutral and non-polar, with threonine, which is neutral and polar, at codon 955 of the DOCK8 protein (p.Ala955Thr). This variant is not present in population databases (gnomAD no frequency). This variant has not been reported in the literature in individuals affected with DOCK8-related conditions. An algorithm developed to predict the effect of missense changes on protein structure and function outputs the following: PolyPhen-2: "Benign". The threonine amino acid residue is found in multiple mammalian species, which suggests that this missense change does not adversely affect protein function. In summary, the available evidence is currently insufficient to determine the role of this variant in disease. Therefore, it has been classified as a Variant of Uncertain Significance.

NM_203447.4(DOCK8):c.2863G>A (p.Ala955Thr)

Gene: DOCK8 (dedicator of cytokinesis 8; plus strand). Cytogenetic location: 9p24.3.
Variant type: single nucleotide variant.
Coding change: c.2863G>A on transcript NM_203447.4 (MANE Select); coding-DNA position 2863, G replaced by A.
Protein change: p.Ala955Thr; replaces alanine 955 with threonine.
Molecular consequence: missense variant. On other transcripts: intron variant (1).
Genome position (GRCh38, 1-based): chr9:386,415, G>A. VCF-style: chr9-386415-G-A. GRCh37 (hg19) VCF-style: chr9-386415-G-A.
Other names: c.2659G>A, p.Ala887Thr (NM_001193536.2); c.2574+3730G>A (NM_001190458.2); short protein forms A887T, A955T.
Identifiers: ClinVar variation 4729059 (VCV004729059.1).